The following is an entry in ClinVar:

NM_001387283.1(SMARCA4):c.4187A>T (p.Asp1396Val)

Gene: SMARCA4 (SWI/SNF related BAF chromatin remodeling complex subunit ATPase 4; plus strand). Cytogenetic location: 19p13.2.
Variant type: single nucleotide variant.
Coding change: c.4187A>T on transcript NM_001387283.1 (MANE Plus Clinical); coding-DNA position 4187, A replaced by T.
Protein change: p.Asp1396Val; replaces aspartic acid 1396 with valine.
Molecular consequence: missense variant. On other transcripts: intron variant (7).
Genome position (GRCh38, 1-based): chr19:11,039,474, A>T. VCF-style: chr19-11039474-A-T. GRCh37 (hg19) VCF-style: chr19-11150150-A-T.
Other names: c.4187A>T, p.Asp1396Val (NM_001128849.3); c.4171-1833A>T (NM_001128844.3, NM_003072.5); c.4072-1833A>T (NM_001128847.4, NM_001374457.1, NM_001128848.2); c.4072-1824A>T (NM_001128845.2, NM_001128846.2); c.4187A>T (NM_001128849.2); short protein forms D1396V.
Identifiers: ClinVar variation 220887 (VCV000220887.24), dbSNP rs186823009, ClinGen allele CA348174.

ClinVar aggregate classification (germline): Conflicting classifications of pathogenicity. Review status: criteria provided, conflicting classifications (1 of 4 stars). 8 submissions from 8 submitters: Uncertain significance (1); Benign (1); Likely benign (5). 1 of the submissions does not count toward it. Last evaluated 2026-02-03.

Conditions:
Intellectual disability, autosomal dominant 16 (CSS4). Also called: COFFIN-SIRIS SYNDROME 4. Identifiers: Orphanet 1465, MedGen C3553249, MONDO:0013821, OMIM 614609.
SMARCA4-related disorder. Also called: SMARCA4-related condition.
Hereditary cancer-predisposing syndrome. Also called: Tumor predisposition; Neoplastic Syndromes, Hereditary; Hereditary Cancer Syndrome; Hereditary neoplastic syndrome. Identifiers: Orphanet 140162, MedGen C0027672, MeSH D009386, MONDO:0015356.
Rhabdoid tumor predisposition syndrome 2 (RTPS2). Identifiers: Orphanet 231108, Orphanet 69077, MedGen C2750074, MONDO:0013224, OMIM 613325.

Allele frequency attached by ClinVar (database versions not stated): gnomAD 0.00003; TOPMed 0.00008; 1000 Genomes Project 0.00040; 1000 Genomes Project 30x 0.00047.
gnomAD v4.1: 102 of 1,598,466 alleles (0.0064%); highest among the groups gnomAD compares: Middle Eastern, 0.083%; 4 homozygotes.

Submissions (8):

Labcorp Genetics (formerly Invitae), Labcorp
Classification: Benign for Rhabdoid tumor predisposition syndrome 2. Last evaluated: 2026-02-03. Review status: criteria provided, single submitter. Criteria: Invitae Variant Classification Sherloc (09022015). Collection method: clinical testing. Allele origin: germline.

Blueprint Genetics
Classification: Likely benign. Last evaluated: 2024-07-25. Review status: criteria provided, single submitter. Criteria: ACMG Guidelines, 2015. Collection method: clinical testing. Allele origin: germline.

Quest Diagnostics Nichols Institute San Juan Capistrano
Classification: Likely benign. Last evaluated: 2023-07-08. Review status: criteria provided, single submitter. Criteria: Quest Diagnostics criteria. Collection method: clinical testing. Allele origin: unknown.

Sema4
Classification: Likely benign for Hereditary cancer-predisposing syndrome. Last evaluated: 2021-11-02. Review status: criteria provided, single submitter. Criteria: Sema4 Curation Guidelines. Collection method: curation. Allele origin: germline.

GeneDx
Classification: Likely benign. Last evaluated: 2021-03-02. Review status: criteria provided, single submitter. Criteria: GeneDx Variant Classification Process June 2021. Collection method: clinical testing. Allele origin: germline. Affected: yes.

Ambry Genetics
Classification: Likely benign for Hereditary cancer-predisposing syndrome. Last evaluated: 2020-11-10. Review status: criteria provided, single submitter. Criteria: Ambry Variant Classification Scheme 2023. Collection method: clinical testing. Allele origin: germline.

Revvity Omics, Revvity
Classification: Uncertain significance for Intellectual disability, autosomal dominant 16. Last evaluated: 2020-01-03. Review status: criteria provided, single submitter. Criteria: ACMG Guidelines, 2015. Collection method: clinical testing. Allele origin: germline.

PreventionGenetics, part of Exact Sciences
Classification: Likely benign for SMARCA4-related condition. Last evaluated: 2020-05-04. Review status: no assertion criteria provided. Collection method: clinical testing. Allele origin: germline. Not counted in ClinVar's aggregate classification.
Comment: This variant is classified as likely benign based on ACMG/AMP sequence variant interpretation guidelines (Richards et al. 2015 PMID: 25741868, with internal and published modifications).